The following is an entry in ClinVar:

NM_001182.5(ALDH7A1):c.365G>C (p.Arg122Pro)

Gene: ALDH7A1 (aldehyde dehydrogenase 7 family member A1; minus strand). Cytogenetic location: 5q23.2.
Variant type: single nucleotide variant.
Coding change: c.365G>C on transcript NM_001182.5 (MANE Select); coding-DNA position 365, G replaced by C.
Protein change: p.Arg122Pro; replaces arginine 122 with proline.
Molecular consequence: missense variant.
Genome position (GRCh38, 1-based): chr5:126,583,960, C>G on the plus strand (G>C on the coding strand, the complement: ALDH7A1 is on the minus strand). VCF-style: chr5-126583960-C-G. GRCh37 (hg19) VCF-style: chr5-125919652-C-G.
Other names: p.R122P:CGG>CCG; c.281G>C, p.Arg94Pro (NM_001201377.2); c.365G>C, p.Arg122Pro (NM_001202404.2); short protein forms R122P, R94P.
Identifiers: ClinVar variation 204827 (VCV000204827.15), dbSNP rs796052256, ClinGen allele CA313162.

ClinVar aggregate classification (germline): Conflicting classifications of pathogenicity. Review status: criteria provided, conflicting classifications (1 of 4 stars). 4 submissions from 4 submitters: Likely pathogenic (1); Uncertain significance (3). Last evaluated 2025-06-11.

Conditions:
Inborn genetic diseases. Identifiers: MedGen C0950123, MeSH D030342.
Pyridoxine-dependent epilepsy (EPEO4). Also called: Pyridoxine-Dependent Seizures; Pyridoxine-Dependent Epilepsy - ALDH7A1; PYRIDOXINE DEPENDENCY WITH SEIZURES; EPILEPSY, EARLY-ONSET, 4, VITAMIN B6-DEPENDENT. Identifiers: Orphanet 3006, MedGen C1849508, MONDO:0009945, OMIM 266100. Disease mechanism: loss of function.

Allele frequency attached by ClinVar (database versions not stated): TOPMed 0.00001; gnomAD 0.00006.
gnomAD v4.1: 1 of 1,614,046 alleles (0.000062%); highest among the groups gnomAD compares: Non-Finnish European, 0.000085%; no homozygotes.

Submissions (4):

Women's Health and Genetics/Laboratory Corporation of America, LabCorp
Classification: Uncertain significance. Last evaluated: 2025-06-11. Review status: criteria provided, single submitter. Criteria: LabCorp Variant Classification Summary - May 2015. Collection method: clinical testing. Allele origin: germline.
Comment: Variant summary: ALDH7A1 c.365G>C (p.Arg122Pro) results in a non-conservative amino acid change located in the aldehyde dehydrogenase domain (IPR015590) of the encoded protein sequence. Algorithms developed to predict the effect of missense changes on protein structure and function all suggest that this variant is likely to be disruptive. The variant allele was found at a frequency of 4e-06 in 251470 control chromosomes.c.365G>C has been observed in at least one individual affected with Pyridoxine-Dependent Epilepsy (e.g. Coughlin_2019). These data do not allow any conclusion about variant significance. In in vitro functional studies, the variant had an enzymatic activity of 81% compared to wild-type (Coughlin_2019). A different variant affecting the same codon has been classified as likely pathogenic/pathogenic by our lab (c.364C>T, p.Arg122Trp), supporting the critical relevance of codon 122 to ALDH7A1 protein function. The following publication has been ascertained in the context of this evaluation (PMID: 30043187). ClinVar contains an entry for this variant (Variation ID: 204827). Based on the evidence outlined above, the variant was classified as VUS-possibly pathogenic.

GeneDx
Classification: Uncertain significance. Last evaluated: 2024-03-07. Review status: criteria provided, single submitter. Criteria: GeneDx Variant Classification Process June 2021. Collection method: clinical testing. Allele origin: germline. Affected: yes.
Comment: Not observed at significant frequency in large population cohorts (gnomAD); In silico analysis supports that this missense variant has a deleterious effect on protein structure/function; Has not been previously published as pathogenic or benign to our knowledge

Labcorp Genetics (formerly Invitae), Labcorp
Classification: Likely pathogenic for Pyridoxine-dependent epilepsy. Last evaluated: 2024-02-17. Review status: criteria provided, single submitter. Criteria: Invitae Variant Classification Sherloc (09022015). Collection method: clinical testing. Allele origin: germline.
Comment: This sequence change replaces arginine, which is basic and polar, with proline, which is neutral and non-polar, at codon 122 of the ALDH7A1 protein (p.Arg122Pro). This variant is present in population databases (rs796052256, gnomAD 0.002%). This variant has not been reported in the literature in individuals affected with ALDH7A1-related conditions. ClinVar contains an entry for this variant (Variation ID: 204827). Advanced modeling of protein sequence and biophysical properties (such as structural, functional, and spatial information, amino acid conservation, physicochemical variation, residue mobility, and thermodynamic stability) performed at Invitae indicates that this missense variant is expected to disrupt ALDH7A1 protein function with a positive predictive value of 95%. This variant disrupts the p.Arg122 amino acid residue in ALDH7A1. Other variant(s) that disrupt this residue have been determined to be pathogenic (Invitae). This suggests that this residue is clinically significant, and that variants that disrupt this residue are likely to be disease-causing. In summary, the currently available evidence indicates that the variant is pathogenic, but additional data are needed to prove that conclusively. Therefore, this variant has been classified as Likely Pathogenic.

Ambry Genetics
Classification: Uncertain significance for Inborn genetic diseases. Last evaluated: 2021-09-21. Review status: criteria provided, single submitter. Criteria: Ambry Variant Classification Scheme 2023. Collection method: clinical testing. Allele origin: germline.

Literature cited by the submitters: PubMed 30043187 (cited by Women's Health and Genetics/Laboratory Corporation of America, LabCorp).